The following is an entry in ClinVar:

NM_001349253.2(SCN11A):c.4222A>C (p.Ile1408Leu)

Gene: SCN11A (sodium voltage-gated channel alpha subunit 11; minus strand). Cytogenetic location: 3p22.2.
Variant type: single nucleotide variant.
Coding change: c.4222A>C on transcript NM_001349253.2 (MANE Select); coding-DNA position 4222, A replaced by C.
Protein change: p.Ile1408Leu; replaces isoleucine 1408 with leucine.
Molecular consequence: missense variant.
Genome position (GRCh38, 1-based): chr3:38,850,586, T>G on the plus strand (A>C on the coding strand, the complement: SCN11A is on the minus strand). VCF-style: chr3-38850586-T-G. GRCh37 (hg19) VCF-style: chr3-38892077-T-G.
Other names: c.4222A>C, p.Ile1408Leu (NM_014139.3); short protein forms I1408L.
Identifiers: ClinVar variation 1914247 (VCV001914247.5), dbSNP rs2470975679, ClinGen allele CA352165458.

ClinVar aggregate classification (germline): Uncertain significance (1 of 4 stars; one submission).

Conditions:
Hereditary sensory and autonomic neuropathy type 7. Also called: Neuropathy, hereditary sensory and autonomic, type VII; HSAN VII. Identifiers: Orphanet 391397, MedGen C3809882, MONDO:0014244, OMIM 615548.
Familial episodic pain syndrome with predominantly lower limb involvement. Also called: Episodic pain syndrome, familial, 3. Identifiers: Orphanet 391384, Orphanet 391392, MedGen C3809899, MONDO:0014247, OMIM 615552.

Allele frequency attached by ClinVar (database versions not stated): gnomAD exomes below 0.00001.
gnomAD v4.1: 1 of 1,614,012 alleles (0.000062%); highest among the groups gnomAD compares: Non-Finnish European, 0.000085%; no homozygotes.

Submission:

Labcorp Genetics (formerly Invitae), Labcorp
Classification: Uncertain significance for Familial episodic pain syndrome with predominantly lower limb involvement; Hereditary sensory and autonomic neuropathy type 7. Last evaluated: 2022-04-08. Review status: criteria provided, single submitter. Criteria: Invitae Variant Classification Sherloc (09022015). Collection method: clinical testing. Allele origin: germline.
Comment: This sequence change replaces isoleucine, which is neutral and non-polar, with leucine, which is neutral and non-polar, at codon 1408 of the SCN11A protein (p.Ile1408Leu). This variant is not present in population databases (gnomAD no frequency). This variant has not been reported in the literature in individuals affected with SCN11A-related conditions. Algorithms developed to predict the effect of missense changes on protein structure and function are either unavailable or do not agree on the potential impact of this missense change (SIFT: "Deleterious"; PolyPhen-2: "Benign"; Align-GVGD: "Class C0"). In summary, the available evidence is currently insufficient to determine the role of this variant in disease. Therefore, it has been classified as a Variant of Uncertain Significance.